The following is an entry in ClinVar:

NM_000397.4(CYBB):c.626A>G (p.His209Arg)

Gene: CYBB (cytochrome b-245 beta chain; plus strand). Cytogenetic location: Xp21.1.
Variant type: single nucleotide variant.
Coding change: c.626A>G on transcript NM_000397.4 (MANE Select); coding-DNA position 626, A replaced by G.
Protein change: p.His209Arg; replaces histidine 209 with arginine.
Molecular consequence: missense variant.
Genome position (GRCh38, 1-based): chrX:37,796,093, A>G. VCF-style: chrX-37796093-A-G. GRCh37 (hg19) VCF-style: chrX-37655346-A-G.
Other names: short protein forms H209R.
Identifiers: ClinVar variation 68399 (VCV000068399.4), dbSNP rs151344482, ClinGen allele CA219730.

ClinVar aggregate classification (germline): Conflicting classifications of pathogenicity. Review status: criteria provided, conflicting classifications (1 of 4 stars). 5 submissions from 5 submitters: Pathogenic (1); Likely pathogenic (2); Uncertain significance (1). 1 of the submissions does not count toward it. Last evaluated 2026-02-13.

Conditions:
CYBB-related disorders.
Granulomatous disease, chronic, X-linked. Also called: CYTOCHROME b-NEGATIVE GRANULOMATOUS DISEASE, CHRONIC, X-LINKED; GRANULOMATOUS DISEASE, CHRONIC, X-LINKED, SOMATIC MOSAIC. Identifiers: Orphanet 379, MedGen C1844376, MONDO:0010600, OMIM 306400.

Submissions (5):

OLLIN Analises Genomicas, OLLIN
Classification: Uncertain significance for Granulomatous disease, chronic, X-linked. Last evaluated: 2026-02-13. Review status: criteria provided, single submitter. Criteria: ACMG Guidelines 2015 PMID 25741868. Collection method: clinical testing. Allele origin: germline. Observed: 1 variant allele.
Comment: PM2_P, PP3_S

Blueprint Genetics
Classification: Pathogenic for CYBB-related disorders. Last evaluated: 2023-12-13. Review status: criteria provided, single submitter. Criteria: ACMG Guidelines, 2015. Collection method: clinical testing. Allele origin: germline. Affected: yes. Observed: 1 variant allele.

GeneDx
Classification: Likely pathogenic. Last evaluated: 2017-10-24. Review status: criteria provided, single submitter. Criteria: GeneDx Variant Classification (06012015). Collection method: clinical testing. Allele origin: germline. Affected: yes.
Comment: The H209R variant in the CYBB gene has been published previously in association with chronic granulomatous disease (CGD) (Ishibashi et al., 2000; Kojima et al., 2016). The variant is not observed in large population cohorts (Lek et al., 2016). The variant is a conservative amino acid substitution, which is not likely to impact secondary protein structure as these residues share similar properties. However, this substitution occurs at a position within the ferric oxidoreductase domain that is conserved across species, and in silico analysis predicts this variant is probably damaging to the protein structure/function. Functional studies on the H209C and H209Y variants have indicated that the H209 residue is critical for heme binding and maturation of flavocytochrome b (Biberstine-Kinkade et al., 2001). Therefore, this variant is likely pathogenic.

Neuberg Centre For Genomic Medicine, NCGM
Classification: Likely pathogenic for Granulomatous disease, chronic, X-linked. Review status: criteria provided, single submitter. Criteria: ACMG Guidelines, 2015. Collection method: clinical testing. Allele origin: germline. Inheritance: X-linked recessive inheritance. Affected: yes.
Comment: The missense variant p.H209R in CYBB (NM_000397.4) gene has been published previously in association with chronic granulomatous disease (CGD) (Ishibashi et al., 2000). Functional studies indicate a damaging effect (Biberstine-Kinkade et al., 2001). The variant has been submitted to ClinVar as Likely Pathogenic.The p.H209R missense variant is predicted to be damaging by both SIFT and PolyPhen2. The histidine residue at codon 209 of CYBB is conserved in all mammalian species. The nucleotide c.626 in CYBB is predicted conserved by GERP++ and PhyloP across 100 vertebrates. For these reasons, this variant has been classified as Pathogenic.

UniProtKB/Swiss-Prot
No classification provided. Review status: no classification provided. Collection method: not provided. Allele origin: not provided. Not counted in ClinVar's aggregate classification.